The following is an entry in ClinVar:

ClinVar aggregate classification (germline): Uncertain significance. Review status: criteria provided, multiple submitters, no conflicts (2 of 4 stars). 3 submissions from 3 submitters: Uncertain significance (3). Last evaluated 2023-12-13.

Conditions:
Tuberous sclerosis syndrome (TSC). Also called: Tuberous sclerosis; Tuberous Sclerosis Complex. Identifiers: Orphanet 805, MedGen C0041341, MONDO:0001734.
Tuberous sclerosis 1 (TSC1). Identifiers: Orphanet 805, MedGen C1854465, MONDO:0008612, OMIM 191100.
Hereditary cancer-predisposing syndrome. Also called: Neoplastic Syndromes, Hereditary; Hereditary neoplastic syndrome; Hereditary Cancer Syndrome; Tumor predisposition. Identifiers: Orphanet 140162, MedGen C0027672, MeSH D009386, MONDO:0015356.

Submissions (3):

All of Us Research Program, National Institutes of Health
Classification: Uncertain significance for Tuberous sclerosis syndrome. Last evaluated: 2023-12-13. Review status: criteria provided, single submitter. Criteria: ACMG Guidelines, 2015. Collection method: clinical testing. Allele origin: germline. Inheritance: Autosomal dominant inheritance. Observed: 1 variant allele, 1 heterozygote.
Comment: This missense variant replaces histidine with arginine at codon 894 of the TSC1 protein. Computational prediction suggests that this variant may not impact protein structure and function (internally defined REVEL score threshold <= 0.5, PMID: 27666373). To our knowledge, functional studies have not been reported for this variant. This variant has not been reported in individuals affected with TSC1-related disorders in the literature. This variant has not been identified in the general population by the Genome Aggregation Database (gnomAD). The available evidence is insufficient to determine the role of this variant in disease conclusively. Therefore, this variant is classified as a Variant of Uncertain Significance.

This study involves interpretation of variants in research participants for the purpose of population health screening. Participant phenotype was not available at the time of variant classification. Additional details can be found in publication PMID: 35346344, PMCID: PMC8962531

Ambry Genetics
Classification: Uncertain significance for Hereditary cancer-predisposing syndrome. Last evaluated: 2023-06-28. Review status: criteria provided, single submitter. Criteria: Ambry Variant Classification Scheme 2023. Collection method: clinical testing. Allele origin: germline.
Comment: The p.H894R variant (also known as c.2681A>G), located in coding exon 19 of the TSC1 gene, results from an A to G substitution at nucleotide position 2681. The histidine at codon 894 is replaced by arginine, an amino acid with highly similar properties. This amino acid position is not well conserved in available vertebrate species. In addition, this alteration is predicted to be tolerated by in silico analysis. Since supporting evidence is limited at this time, the clinical significance of this alteration remains unclear.

Labcorp Genetics (formerly Invitae), Labcorp
Classification: Uncertain significance for Tuberous sclerosis 1. Last evaluated: 2022-02-20. Review status: criteria provided, single submitter. Criteria: Invitae Variant Classification Sherloc (09022015). Collection method: clinical testing. Allele origin: germline.
Comment: In summary, the available evidence is currently insufficient to determine the role of this variant in disease. Therefore, it has been classified as a Variant of Uncertain Significance. Algorithms developed to predict the effect of missense changes on protein structure and function (SIFT, PolyPhen-2, Align-GVGD) all suggest that this variant is likely to be tolerated. ClinVar contains an entry for this variant (Variation ID: 656426). This variant has not been reported in the literature in individuals affected with TSC1-related conditions. This variant is not present in population databases (gnomAD no frequency). This sequence change replaces histidine, which is basic and polar, with arginine, which is basic and polar, at codon 894 of the TSC1 protein (p.His894Arg).

NM_000368.5(TSC1):c.2681A>G (p.His894Arg)

Gene: TSC1 (TSC complex subunit 1; minus strand). Cytogenetic location: 9q34.13.
Variant type: single nucleotide variant.
Coding change: c.2681A>G on transcript NM_000368.5 (MANE Select); coding-DNA position 2681, A replaced by G.
Protein change: p.His894Arg; replaces histidine 894 with arginine.
Molecular consequence: missense variant.
Genome position (GRCh38, 1-based): chr9:132,897,555, T>C on the plus strand (A>G on the coding strand, the complement: TSC1 is on the minus strand). VCF-style: chr9-132897555-T-C. GRCh37 (hg19) VCF-style: chr9-135772942-T-C.
Other names: c.2678A>G, p.His893Arg (NM_001162426.2); c.2528A>G, p.His843Arg (NM_001162427.2); c.2318A>G, p.His773Arg (NM_001362177.2); short protein forms H893R, H894R, H773R, H843R.
Identifiers: ClinVar variation 656426 (VCV000656426.12), dbSNP rs1588290830, ClinGen allele CA375369498.